The following is an entry in ClinVar:

ClinVar aggregate classification (germline): Uncertain significance (3 of 4 stars; one submission).

Conditions:
Monogenic diabetes. Identifiers: Orphanet 183625, MedGen C3888631, MONDO:0015967.

Allele frequency attached by ClinVar (database versions not stated): gnomAD 0.00001; gnomAD exomes 0.00001; TOPMed 0.00003.
gnomAD v4.1: 4 of 650,100 alleles (0.00062%); highest among the groups gnomAD compares: African/African-American, 0.0036%; no homozygotes.

Submission:

ClinGen Monogenic Diabetes Variant Curation Expert Panel
Classification: Uncertain significance for Monogenic diabetes. Last evaluated: 2021-08-18. Review status: reviewed by expert panel. Criteria: ClinGen Diabetes ACMG Specifications v1 1. Collection method: curation. Allele origin: germline. Inheritance: Autosomal dominant inheritance.
Comment: The c.-187C>T variant in the HNF1 homeobox A gene, HNF1A, is a single nucleotide variant within the promoter of NM_000545.8. This variant is located within the API binding site (c.-187 to c.-195) of HNF1A, which is defined as critical for the protein’s function by the ClinGen MDEP (PM1_Supporting). While c.-187C>T is absent in the European non-Finnish population in gnomAD v2.1.1, it has 2 copies in the African subpopulation; therefore, this variant does not meet the ClinGen MDEP-established cutoff for PM2_Supporting. This variant was identified in 4 unrelated individuals with non- autoimmune and non-absolute/near-absolute insulin-deficient diabetes; however, PS4_Moderate cannot be applied because the variant does not meet the PM2_Supporting cutoff (internal lab contributors). One of these individuals has a clinical history highly specific for HNF1A-MODY (MODY probability calculator result >50%, negative genetic testing for HNF4A, and sulfonylurea sensitive) (PP4_Moderate; internal lab contributor). Taken together, this criteria supports the classification of c.-187C>T as a variant of uncertain significance for monogenic diabetes. ACMG/AMP criteria applied, as specified by the ClinGen MDEP VCEP (specification version 1.0, approved): PP4_moderate, PM1_Supporting.

NM_000545.8(HNF1A):c.-187C>T

Gene: HNF1A (HNF1 homeobox A; plus strand). Cytogenetic location: 12q24.31.
Variant type: single nucleotide variant.
Coding change: c.-187C>T on transcript NM_000545.8 (MANE Select); 187 bases upstream of the start codon, C replaced by T.
Molecular consequence: 5 prime UTR variant.
Genome position (GRCh38, 1-based): chr12:120,978,582, C>T. VCF-style: chr12-120978582-C-T. GRCh37 (hg19) VCF-style: chr12-121416385-C-T.
Other names: NM_001306179.2:c.-187C>T; c.-187C>T (NM_001306179.2).
Identifiers: ClinVar variation 1327601 (VCV001327601.3), dbSNP rs970766228, ClinGen allele CA244520175.